The following is an entry in ClinVar:

ClinVar aggregate classification (germline): Uncertain significance (1 of 4 stars; one submission).

gnomAD v4.1: 4 of 1,613,392 alleles (0.00025%); highest among the groups gnomAD compares: Non-Finnish European, 0.00034%; no homozygotes.

Submission:

Labcorp Genetics (formerly Invitae), Labcorp
Classification: Uncertain significance. Last evaluated: 2024-10-31. Review status: criteria provided, single submitter. Criteria: Invitae Variant Classification Sherloc (09022015). Collection method: clinical testing. Allele origin: germline.
Comment: This sequence change replaces threonine, which is neutral and polar, with arginine, which is basic and polar, at codon 647 of the GUCY2C protein (p.Thr647Arg). This variant is present in population databases (rs148141648, gnomAD 0.003%). This variant has not been reported in the literature in individuals affected with GUCY2C-related conditions. Invitae Evidence Modeling of protein sequence and biophysical properties (such as structural, functional, and spatial information, amino acid conservation, physicochemical variation, residue mobility, and thermodynamic stability) indicates that this missense variant is not expected to disrupt GUCY2C protein function with a negative predictive value of 80%. In summary, the available evidence is currently insufficient to determine the role of this variant in disease. Therefore, it has been classified as a Variant of Uncertain Significance.

NM_004963.4(GUCY2C):c.1940C>G (p.Thr647Arg)

Gene: GUCY2C (guanylate cyclase 2C; minus strand). Cytogenetic location: 12p12.3.
Variant type: single nucleotide variant.
Coding change: c.1940C>G on transcript NM_004963.4 (MANE Select); coding-DNA position 1940, C replaced by G.
Protein change: p.Thr647Arg; replaces threonine 647 with arginine.
Molecular consequence: missense variant.
Genome position (GRCh38, 1-based): chr12:14,641,210, G>C on the plus strand (C>G on the coding strand, the complement: GUCY2C is on the minus strand). VCF-style: chr12-14641210-G-C. GRCh37 (hg19) VCF-style: chr12-14794144-G-C.
Other names: short protein forms T647R.
Identifiers: ClinVar variation 3683417 (VCV003683417.2).